The following is an entry in ClinVar:

ClinVar aggregate classification (germline): Uncertain significance (1 of 4 stars; one submission).

Conditions:
Wilson-Turner syndrome (WTS). Also called: INTELLECTUAL DEVELOPMENTAL DISORDER, X-LINKED, SYNDROMIC, WILSON-TURNER TYPE; MENTAL RETARDATION, X-LINKED, SYNDROMIC 6. Identifiers: Orphanet 3459, MedGen C1839736, MONDO:0010665, OMIM 309585.

gnomAD v4.1: 1 of 1,210,835 alleles (0.000083%); highest among the groups gnomAD compares: Non-Finnish European, 0.00011%; no homozygotes.

Submission:

Labcorp Genetics (formerly Invitae), Labcorp
Classification: Uncertain significance for Wilson-Turner syndrome. Last evaluated: 2025-02-12. Review status: criteria provided, single submitter. Criteria: Invitae Variant Classification Sherloc (09022015). Collection method: clinical testing. Allele origin: germline.
Comment: This sequence change replaces isoleucine, which is neutral and non-polar, with valine, which is neutral and non-polar, at codon 419 of the LAS1L protein (p.Ile419Val). This variant is not present in population databases (gnomAD no frequency). This variant has not been reported in the literature in individuals affected with LAS1L-related conditions. Invitae Evidence Modeling of protein sequence and biophysical properties (such as structural, functional, and spatial information, amino acid conservation, physicochemical variation, residue mobility, and thermodynamic stability) has been performed for this missense variant. However, the output from this modeling did not meet the statistical confidence thresholds required to predict the impact of this variant on LAS1L protein function. In summary, the available evidence is currently insufficient to determine the role of this variant in disease. Therefore, it has been classified as a Variant of Uncertain Significance.

NM_031206.7(LAS1L):c.1255A>G (p.Ile419Val)

Gene: LAS1L (LAS1 like ribosome biogenesis factor; minus strand). Cytogenetic location: Xq12.
Variant type: single nucleotide variant.
Coding change: c.1255A>G on transcript NM_031206.7 (MANE Select); coding-DNA position 1255, A replaced by G.
Protein change: p.Ile419Val; replaces isoleucine 419 with valine.
Molecular consequence: missense variant. On other transcripts: non-coding transcript variant (3).
Genome position (GRCh38, 1-based): chrX:65,524,101, T>C on the plus strand (A>G on the coding strand, the complement: LAS1L is on the minus strand). VCF-style: chrX-65524101-T-C. GRCh37 (hg19) VCF-style: chrX-64743981-T-C.
Other names: c.1204A>G, p.Ile402Val (NM_001170649.2, NM_001375331.1, NM_001375333.1 and 4 more transcripts); c.1078A>G, p.Ile360Val (NM_001170650.2); c.1255A>G, p.Ile419Val (NM_001375328.1, NM_001375329.1, NM_001375330.1 and 3 more transcripts); c.298A>G, p.Ile100Val (NM_001375332.1); short protein forms I100V, I360V, I402V, I419V.
Identifiers: ClinVar variation 4796931 (VCV004796931.1).